The following is an entry in ClinVar:

NM_001329630.2(PLEKHA7):c.222-6C>T

Gene: PLEKHA7 (pleckstrin homology domain containing A7; minus strand). Cytogenetic location: 11p15.2.
Variant type: single nucleotide variant.
Coding change: c.222-6C>T on transcript NM_001329630.2 (MANE Select); 6 bases into the intron before coding-DNA position 222, C replaced by T.
Molecular consequence: intron variant.
Genome position (GRCh38, 1-based): chr11:16,871,188, G>A on the plus strand (C>T on the coding strand, the complement: PLEKHA7 is on the minus strand). VCF-style: chr11-16871188-G-A. GRCh37 (hg19) VCF-style: chr11-16892735-G-A.
Other names: c.222-6C>T (NM_001410960.1, NM_175058.5, NM_001329631.2).
Identifiers: ClinVar variation 3051300 (VCV003051300.2), dbSNP rs760886376, ClinGen allele CA5899867.

ClinVar aggregate classification (germline): Likely benign (0 of 4 stars; one submission).

Conditions:
PLEKHA7-related disorder. Also called: PLEKHA7-related condition.

Allele frequency attached by ClinVar (database versions not stated): TOPMed 0.00002; gnomAD 0.00003; ExAC 0.00015.
gnomAD v4.1: 127 of 1,594,066 alleles (0.008%); highest among the groups gnomAD compares: Non-Finnish European, 0.01%; 1 homozygote.

Submission:

PreventionGenetics, part of Exact Sciences
Classification: Likely benign for PLEKHA7-related condition. Last evaluated: 2020-02-26. Review status: no assertion criteria provided. Collection method: clinical testing. Allele origin: germline.
Comment: This variant is classified as likely benign based on ACMG/AMP sequence variant interpretation guidelines (Richards et al. 2015 PMID: 25741868, with internal and published modifications).